The following is an entry in ClinVar:

NM_014974.3(DIP2C):c.519_527dup (p.Ser177_Ser178insThrThrSer)

Gene: DIP2C (DIP2 acetate--CoA ligase C (putative); minus strand). Cytogenetic location: 10p15.3.
Variant type: Duplication.
Coding change: c.519_527dup on transcript NM_014974.3 (MANE Select); coding-DNA positions 519 to 527, 9 bases duplicated (GTCCACCAC; older notation c.519_527dupGTCCACCAC).
Protein change: p.Ser177_Ser178insThrThrSer.
Molecular consequence: inframe insertion.
Genome position (GRCh38, 1-based): chr10:422,901-422,909, GTGGTGGAC duplicated on the plus strand (GTCCACCAC on the coding strand, the reverse complement: DIP2C is on the minus strand); duplicating any 9 consecutive bases within chr10:422,901-422,917 gives the same sequence; the c. name uses the placement nearest the transcript's 3' end. VCF-style (leftmost placement, unchanged base first): chr10-422900-G-GGTGGTGGAC. GRCh37 (hg19) VCF-style: chr10-468840-G-GGTGGTGGAC.
Identifiers: ClinVar variation 4755909 (VCV004755909.1).
Genomic context (GRCh38, chr10:422,900, plus strand): 5'-CATGACGTCCGCCAGCCTGTGGGCAGCCCCGCTGCCCCCGCTCTGCGTAGAGGACGAGGA[G>GGTGGTGGAC]GTGGTGGACGTGGTGGAGCCGTGGATGGCCTGGCTGATCCAGTGCTCCATATTGATGCTG-3'

ClinVar aggregate classification (germline): Uncertain significance (1 of 4 stars; one submission).

Submission:

GeneDx
Classification: Uncertain significance. Last evaluated: 2025-08-05. Review status: criteria provided, single submitter. Criteria: GeneDx Variant Classification Process June 2021. Collection method: clinical testing. Allele origin: germline. Affected: yes.
Comment: In-frame duplication of 3 amino acid(s) in a non-repeat region; Has not been previously published as pathogenic or benign to our knowledge